The following is an entry in ClinVar:

NM_015346.4(ZFYVE26):c.5971G>A (p.Val1991Ile)

Gene: ZFYVE26 (zinc finger FYVE-type containing 26; minus strand). Cytogenetic location: 14q24.1.
Variant type: single nucleotide variant.
Coding change: c.5971G>A on transcript NM_015346.4 (MANE Select); coding-DNA position 5971, G replaced by A.
Protein change: p.Val1991Ile; replaces valine 1991 with isoleucine.
Molecular consequence: missense variant.
Genome position (GRCh38, 1-based): chr14:67,766,267, C>T on the plus strand (G>A on the coding strand, the complement: ZFYVE26 is on the minus strand). VCF-style: chr14-67766267-C-T. GRCh37 (hg19) VCF-style: chr14-68232984-C-T.
Other names: c.5971G>A (NM_015346.3); short protein forms V1991I.
Identifiers: ClinVar variation 2192864 (VCV002192864.4), dbSNP rs758072287, ClinGen allele CA7239347.

ClinVar aggregate classification (germline): Uncertain significance. Review status: criteria provided, multiple submitters, no conflicts (2 of 4 stars). 2 submissions from 2 submitters: Uncertain significance (2). Last evaluated 2025-10-22.

Conditions:
Spastic paraplegia. Identifiers: MedGen C0037772, HP:0001258.
Inborn genetic diseases. Identifiers: MedGen C0950123, MeSH D030342.

Allele frequency attached by ClinVar (database versions not stated): gnomAD 0.00001; TOPMed 0.00003; ExAC 0.00005.
gnomAD v4.1: 42 of 1,613,962 alleles (0.0026%); highest among the groups gnomAD compares: Admixed American, 0.015%; no homozygotes.

Submissions (2):

Labcorp Genetics (formerly Invitae), Labcorp
Classification: Uncertain significance for Spastic paraplegia. Last evaluated: 2025-10-22. Review status: criteria provided, single submitter. Criteria: Invitae Variant Classification Sherloc (09022015). Collection method: clinical testing. Allele origin: germline.
Comment: This sequence change replaces valine, which is neutral and non-polar, with isoleucine, which is neutral and non-polar, at codon 1991 of the ZFYVE26 protein (p.Val1991Ile). This variant is present in population databases (rs758072287, gnomAD 0.02%). This variant has not been reported in the literature in individuals affected with ZFYVE26-related conditions. ClinVar contains an entry for this variant (Variation ID: 2192864). An algorithm developed to predict the effect of missense changes on protein structure and function (PolyPhen-2) suggests that this variant is likely to be disruptive. In summary, the available evidence is currently insufficient to determine the role of this variant in disease. Therefore, it has been classified as a Variant of Uncertain Significance.

Ambry Genetics
Classification: Uncertain significance for Inborn genetic diseases. Last evaluated: 2023-04-19. Review status: criteria provided, single submitter. Criteria: Ambry Variant Classification Scheme 2023. Collection method: clinical testing. Allele origin: germline.